The following is an entry in ClinVar:

NM_015214.3(DDHD2):c.1617+1G>T

Gene: DDHD2 (DDHD domain containing 2; plus strand). Cytogenetic location: 8p11.23.
Variant type: single nucleotide variant.
Coding change: c.1617+1G>T on transcript NM_015214.3 (MANE Select); the canonical splice donor site of the intron after coding-DNA position 1617, G replaced by T.
Molecular consequence: splice donor variant.
Genome position (GRCh38, 1-based): chr8:38,252,288, G>T. VCF-style: chr8-38252288-G-T. GRCh37 (hg19) VCF-style: chr8-38109806-G-T.
Other names: c.1617+1G>T (NM_001362914.2, NM_001362912.2, NM_001362911.2 and 1 more transcripts); c.1527+1G>T (NM_001362913.2).
Identifiers: ClinVar variation 2025715 (VCV002025715.4), dbSNP rs377024163, ClinGen allele CA370693464.
Genomic context (GRCh38, chr8:38,252,288, plus strand): 5'-AGAATTGATCCCAACTACAGATTTCCAACGTGCAAAGGTTTCTTCAATATTTATCACCCT[G>T]TAAGCATTGTACAGCTATTGTGGTTTTACCTAAATATCAGGGCTTATTGTTAAAGAACAT-3'

ClinVar aggregate classification (germline): Likely pathogenic (1 of 4 stars; one submission).

Conditions:
Hereditary spastic paraplegia 54. Also called: Spastic paraplegia 54, autosomal recessive. Identifiers: Orphanet 320380, MedGen C3539495, MONDO:0014018, OMIM 615033.

Submission:

Labcorp Genetics (formerly Invitae), Labcorp
Classification: Likely pathogenic for Hereditary spastic paraplegia 54. Last evaluated: 2023-10-03. Review status: criteria provided, single submitter. Criteria: Invitae Variant Classification Sherloc (09022015). Collection method: clinical testing. Allele origin: germline.
Comment: This sequence change affects a donor splice site in intron 13 of the DDHD2 gene. It is expected to disrupt RNA splicing. Variants that disrupt the donor or acceptor splice site typically lead to a loss of protein function (PMID: 16199547), and loss-of-function variants in DDHD2 are known to be pathogenic (PMID: 23176823, 23486545). This variant is not present in population databases (gnomAD no frequency). This variant has not been reported in the literature in individuals affected with DDHD2-related conditions. ClinVar contains an entry for this variant (Variation ID: 2025715). Algorithms developed to predict the effect of sequence changes on RNA splicing suggest that this variant may disrupt the consensus splice site. In summary, the currently available evidence indicates that the variant is pathogenic, but additional data are needed to prove that conclusively. Therefore, this variant has been classified as Likely Pathogenic.

Literature cited by the submitters: PubMed 16199547; PubMed 23176823; PubMed 23486545.